The following is an entry in ClinVar:

ClinVar aggregate classification (germline): Uncertain significance (1 of 4 stars; one submission).

Conditions:
Progressive microcephaly-seizures-cortical blindness-developmental delay syndrome. Also called: Seizures, cortical blindness, and microcephaly syndrome. Identifiers: Orphanet 477814, MedGen C5567650, MONDO:0014714, OMIM 616632.
Autosomal dominant nonsyndromic hearing loss 1. Also called: DEAFNESS, AUTOSOMAL DOMINANT 1, WITH OR WITHOUT THROMBOCYTOPENIA; KONIGSMARK SYNDROME. Identifiers: Orphanet 90635, MedGen C1852282, MONDO:0007424, OMIM 124900.

Allele frequency attached by ClinVar (database versions not stated): gnomAD exomes below 0.00001; ExAC 0.00001; gnomAD 0.00001; ESP Exome Variant Server 0.00008.
gnomAD v4.1: 2 of 1,597,610 alleles (0.00013%); highest among the groups gnomAD compares: African/African-American, 0.0013%; no homozygotes.

Submission:

Labcorp Genetics (formerly Invitae), Labcorp
Classification: Uncertain significance for Progressive microcephaly-seizures-cortical blindness-developmental delay syndrome; Autosomal dominant nonsyndromic hearing loss 1. Last evaluated: 2024-02-07. Review status: criteria provided, single submitter. Criteria: Invitae Variant Classification Sherloc (09022015). Collection method: clinical testing. Allele origin: germline.
Comment: This sequence change replaces proline, which is neutral and non-polar, with arginine, which is basic and polar, at codon 715 of the DIAPH1 protein (p.Pro715Arg). This variant is present in population databases (rs369743620, gnomAD 0.004%). This variant has not been reported in the literature in individuals affected with DIAPH1-related conditions. ClinVar contains an entry for this variant (Variation ID: 1961787). Experimental studies and prediction algorithms are not available or were not evaluated, and the functional significance of this variant is currently unknown. In summary, the available evidence is currently insufficient to determine the role of this variant in disease. Therefore, it has been classified as a Variant of Uncertain Significance.

NM_005219.5(DIAPH1):c.2144C>G (p.Pro715Arg)

Gene: DIAPH1 (diaphanous related formin 1; minus strand). Cytogenetic location: 5q31.3.
Variant type: single nucleotide variant.
Coding change: c.2144C>G on transcript NM_005219.5 (MANE Select); coding-DNA position 2144, C replaced by G.
Protein change: p.Pro715Arg; replaces proline 715 with arginine.
Molecular consequence: missense variant.
Genome position (GRCh38, 1-based): chr5:141,573,706, G>C on the plus strand (C>G on the coding strand, the complement: DIAPH1 is on the minus strand). VCF-style: chr5-141573706-G-C. GRCh37 (hg19) VCF-style: chr5-140953273-G-C.
Other names: c.2117C>G, p.Pro706Arg (NM_001079812.3); c.2144C>G, p.Pro715Arg (NM_001314007.2); short protein forms P715R, P706R.
Identifiers: ClinVar variation 1961787 (VCV001961787.5), dbSNP rs369743620, ClinGen allele CA3479148.